The following is an entry in ClinVar:

ClinVar aggregate classification (germline): Uncertain significance (1 of 4 stars; one submission).

Allele frequency attached by ClinVar (database versions not stated): gnomAD exomes below 0.00001; TOPMed 0.00002.
gnomAD v4.1: 2 of 1,289,508 alleles (0.00016%); highest among the groups gnomAD compares: African/African-American, 0.0015%; no homozygotes.

Submission:

Labcorp Genetics (formerly Invitae), Labcorp
Classification: Uncertain significance. Last evaluated: 2022-08-19. Review status: criteria provided, single submitter. Criteria: Invitae Variant Classification Sherloc (09022015). Collection method: clinical testing. Allele origin: germline.
Comment: This sequence change replaces asparagine, which is neutral and polar, with serine, which is neutral and polar, at codon 958 of the ERCC6L2 protein (p.Asn958Ser). This variant is present in population databases (no rsID available, gnomAD 0.01%). This variant has not been reported in the literature in individuals affected with ERCC6L2-related conditions. Algorithms developed to predict the effect of missense changes on protein structure and function are either unavailable or do not agree on the potential impact of this missense change (SIFT: "Tolerated"; PolyPhen-2: "Not Available"; Align-GVGD: "Class C0"). In summary, the available evidence is currently insufficient to determine the role of this variant in disease. Therefore, it has been classified as a Variant of Uncertain Significance.

NM_020207.7(ERCC6L2):c.2840A>G (p.Asn947Ser)

Gene: ERCC6L2 (ERCC excision repair 6 like 2; plus strand). Cytogenetic location: 9q22.32.
Variant type: single nucleotide variant.
Coding change: c.2840A>G on transcript NM_020207.7 (MANE Select); coding-DNA position 2840, A replaced by G.
Protein change: p.Asn947Ser; replaces asparagine 947 with serine.
Molecular consequence: missense variant. On other transcripts: non-coding transcript variant (1).
Genome position (GRCh38, 1-based): chr9:95,972,591, A>G. VCF-style: chr9-95972591-A-G. GRCh37 (hg19) VCF-style: chr9-98734873-A-G.
Other names: c.2840A>G, p.Asn947Ser (NM_001375291.1, NM_001375292.1, NM_001375293.1 and 1 more transcripts); short protein forms N947S.
Identifiers: ClinVar variation 1997038 (VCV001997038.4), dbSNP rs1384248665, ClinGen allele CA589285418.
Genomic context (GRCh38, chr9:95,972,591, plus strand): 5'-GATCTGAGGATTCTGAAACAGAACACACTGTAAAAACAAGAAATAATGATAATAGTCGAA[A>G]CACTGATGACAAAAGAAATGGAATAATTTCAAAAAAGTTAAGTCCTGAGAACACAACCCT-3'
Protein context (NP_064592.3, residues 937-957): VKTRNNDNSR[Asn947Ser]TDDKRNGIIS